The following is an entry in ClinVar:

NM_001374828.1(ARID1B):c.3002T>C (p.Met1001Thr)

Gene: ARID1B (AT-rich interaction domain 1B; plus strand). Cytogenetic location: 6q25.3.
Variant type: single nucleotide variant.
Coding change: c.3002T>C on transcript NM_001374828.1 (MANE Select); coding-DNA position 3002, T replaced by C.
Protein change: p.Met1001Thr; replaces methionine 1001 with threonine.
Molecular consequence: missense variant.
Genome position (GRCh38, 1-based): chr6:157,148,864, T>C. VCF-style: chr6-157148864-T-C. GRCh37 (hg19) VCF-style: chr6-157469998-T-C.
Other names: c.503T>C, p.Met168Thr (NM_001363725.2, NM_001438488.1); c.3041T>C, p.Met1014Thr (NM_001371656.1, NM_001374820.1); c.3002T>C, p.Met1001Thr (NM_001438482.1, NM_017519.3); c.3044T>C, p.Met1015Thr (NM_001438483.1, NM_001438486.1); c.2912T>C, p.Met971Thr (NM_001438485.1); c.2822T>C, p.Met941Thr (NM_001438487.1); short protein forms M1001T, M1014T, M1015T, M168T, M941T, M971T.
Identifiers: ClinVar variation 4806506 (VCV004806506.1).

ClinVar aggregate classification (germline): Uncertain significance (1 of 4 stars; one submission).

Submission:

Labcorp Genetics (formerly Invitae), Labcorp
Classification: Uncertain significance. Last evaluated: 2025-10-09. Review status: criteria provided, single submitter. Criteria: Invitae Variant Classification Sherloc (09022015). Collection method: clinical testing. Allele origin: germline.
Comment: This sequence change replaces methionine, which is neutral and non-polar, with threonine, which is neutral and polar, at codon 931 of the ARID1B protein (p.Met931Thr). This variant is not present in population databases (gnomAD no frequency). This variant has not been reported in the literature in individuals affected with ARID1B-related conditions. Invitae Evidence Modeling of protein sequence and biophysical properties (such as structural, functional, and spatial information, amino acid conservation, physicochemical variation, residue mobility, and thermodynamic stability) indicates that this missense variant is not expected to disrupt ARID1B protein function with a negative predictive value of 95%. In summary, the available evidence is currently insufficient to determine the role of this variant in disease. Therefore, it has been classified as a Variant of Uncertain Significance.